The following is an entry in ClinVar:

ClinVar aggregate classification (germline): Uncertain significance (1 of 4 stars; one submission).

Submission:

GeneDx
Classification: Uncertain significance. Last evaluated: 2021-02-15. Review status: criteria provided, single submitter. Criteria: GeneDx Variant Classification Process June 2021. Collection method: clinical testing. Allele origin: germline. Affected: yes.
Comment: Not observed in large population cohorts (Lek et al., 2016); In silico analysis supports that this missense variant does not alter protein structure/function; Has not been previously published as pathogenic or benign to our knowledge

NM_139058.3(ARX):c.623C>T (p.Ala208Val)

Gene: ARX (aristaless related homeobox; minus strand). Cytogenetic location: Xp21.3.
Variant type: single nucleotide variant.
Coding change: c.623C>T on transcript NM_139058.3 (MANE Select); coding-DNA position 623, C replaced by T.
Protein change: p.Ala208Val; replaces alanine 208 with valine.
Molecular consequence: missense variant.
Genome position (GRCh38, 1-based): chrX:25,013,372, G>A on the plus strand (C>T on the coding strand, the complement: ARX is on the minus strand). VCF-style: chrX-25013372-G-A. GRCh37 (hg19) VCF-style: chrX-25031489-G-A.
Other names: short protein forms A208V.
Identifiers: ClinVar variation 1253791 (VCV001253791.2), dbSNP rs2147323982, ClinGen allele CA412612783.